The following is an entry in ClinVar:

NM_001458.5(FLNC):c.5763del (p.Ala1922fs)

Genes: FLNC (filamin C; plus strand), FLNC-AS1 (FLNC antisense RNA 1; minus strand). Cytogenetic location: 7q32.1.
Variant type: Deletion.
Coding change: c.5763del on transcript NM_001458.5 (MANE Select); coding-DNA position 5763, one base deleted (T; older notation c.5763delT).
Protein change: p.Ala1922fs; shifts the reading frame from alanine 1922.
Molecular consequence: frameshift variant.
Genome position (GRCh38, 1-based): chr7:128,851,549, T deleted. VCF-style (leftmost placement, unchanged base first): chr7-128851548-CT-C. GRCh37 (hg19) VCF-style: chr7-128491602-CT-C.
Other names: c.5664del, p.Ala1889fs (NM_001127487.2); short protein forms A1922fs, A1889fs.
Identifiers: ClinVar variation 2124018 (VCV002124018.4), dbSNP rs2536656445, ClinGen allele CA2580076615.

ClinVar aggregate classification (germline): Pathogenic (1 of 4 stars; one submission).

Conditions:
Myofibrillar myopathy 5. Also called: Filaminopathy (type); FILAMINOPATHY, AUTOSOMAL DOMINANT. Identifiers: Orphanet 171445, MedGen C1836050, MONDO:0012289, OMIM 609524.
Distal myopathy with posterior leg and anterior hand involvement. Also called: WILLIAMS DISTAL MYOPATHY. Identifiers: Orphanet 63273, MedGen C3279722, MONDO:0013550, OMIM 614065.
Hypertrophic cardiomyopathy 26. Also called: Cardiomyopathy, familial hypertrophic, 26. Identifiers: Orphanet 75249, MedGen C4310749, MONDO:0014883, OMIM 617047.

Submission:

Labcorp Genetics (formerly Invitae), Labcorp
Classification: Pathogenic for Distal myopathy with posterior leg and anterior hand involvement; Myofibrillar myopathy 5; Hypertrophic cardiomyopathy 26. Last evaluated: 2022-08-20. Review status: criteria provided, single submitter. Criteria: Invitae Variant Classification Sherloc (09022015). Collection method: clinical testing. Allele origin: germline.
Comment: For these reasons, this variant has been classified as Pathogenic. This variant has not been reported in the literature in individuals affected with FLNC-related conditions. This variant is not present in population databases (gnomAD no frequency). This sequence change creates a premature translational stop signal (p.Ala1922Argfs*31) in the FLNC gene. It is expected to result in an absent or disrupted protein product. Loss-of-function variants in FLNC are known to be pathogenic (PMID: 27908349).

Literature cited by the submitters: PubMed 27908349.